The following is an entry in ClinVar:

NM_001261826.3(AP3D1):c.1618G>A (p.Ala540Thr)

Gene: AP3D1 (adaptor related protein complex 3 subunit delta 1; minus strand). Cytogenetic location: 19p13.3.
Variant type: single nucleotide variant.
Coding change: c.1618G>A on transcript NM_001261826.3 (MANE Select); coding-DNA position 1618, G replaced by A.
Protein change: p.Ala540Thr; replaces alanine 540 with threonine.
Molecular consequence: missense variant.
Genome position (GRCh38, 1-based): chr19:2,118,696, C>T on the plus strand (G>A on the coding strand, the complement: AP3D1 is on the minus strand). VCF-style: chr19-2118696-C-T. GRCh37 (hg19) VCF-style: chr19-2118695-C-T.
Other names: c.1618G>A, p.Ala540Thr (NM_001374799.1, NM_003938.8); short protein forms A540T.
Identifiers: ClinVar variation 2182153 (VCV002182153.4), dbSNP rs988444934, ClinGen allele CA304159117.

ClinVar aggregate classification (germline): Uncertain significance (1 of 4 stars; one submission).

Allele frequency attached by ClinVar (database versions not stated): gnomAD exomes below 0.00001; gnomAD 0.00001; TOPMed 0.00001.
gnomAD v4.1: 8 of 1,613,390 alleles (0.0005%); highest among the groups gnomAD compares: African/African-American, 0.004%; no homozygotes.

Submission:

Labcorp Genetics (formerly Invitae), Labcorp
Classification: Uncertain significance. Last evaluated: 2024-01-09. Review status: criteria provided, single submitter. Criteria: Invitae Variant Classification Sherloc (09022015). Collection method: clinical testing. Allele origin: germline.
Comment: This sequence change replaces alanine, which is neutral and non-polar, with threonine, which is neutral and polar, at codon 540 of the AP3D1 protein (p.Ala540Thr). This variant is present in population databases (no rsID available, gnomAD 0.007%). This variant has not been reported in the literature in individuals affected with AP3D1-related conditions. ClinVar contains an entry for this variant (Variation ID: 2182153). An algorithm developed to predict the effect of missense changes on protein structure and function (PolyPhen-2) suggests that this variant is likely to be tolerated. In summary, the available evidence is currently insufficient to determine the role of this variant in disease. Therefore, it has been classified as a Variant of Uncertain Significance.